The following is an entry in ClinVar:

ClinVar aggregate classification (germline): Uncertain significance (1 of 4 stars; one submission).

gnomAD v4.1: 1 of 1,599,344 alleles (0.000063%); highest among the groups gnomAD compares: African/African-American, 0.0013%; no homozygotes.

Submission:

Ambry Genetics
Classification: Uncertain significance. Last evaluated: 2025-02-09. Review status: criteria provided, single submitter. Criteria: Ambry Variant Classification Scheme 2023. Collection method: clinical testing. Allele origin: germline.
Comment: The p.S2019C variant (also known as c.6056C>G), located in coding exon 24 of the WNK2 gene, results from a C to G substitution at nucleotide position 6056. The serine at codon 2019 is replaced by cysteine, an amino acid with dissimilar properties. This amino acid position is conserved. In addition, this alteration is predicted to be deleterious by in silico analysis. Based on the available evidence, the clinical significance of this variant remains unclear.

NM_006648.4(WNK2):c.6056C>G (p.Ser2019Cys)

Gene: WNK2 (WNK lysine deficient protein kinase 2; plus strand). Cytogenetic location: 9q22.31.
Variant type: single nucleotide variant.
Coding change: c.6056C>G on transcript NM_006648.4 (MANE Select); coding-DNA position 6056, C replaced by G.
Protein change: p.Ser2019Cys; replaces serine 2019 with cysteine.
Molecular consequence: missense variant.
Genome position (GRCh38, 1-based): chr9:93,299,202, C>G. VCF-style: chr9-93299202-C-G. GRCh37 (hg19) VCF-style: chr9-96061484-C-G.
Other names: c.6167C>G, p.Ser2056Cys (NM_001282394.3); short protein forms S2019C, S2056C.
Identifiers: ClinVar variation 3817053 (VCV003817053.1).